The following is an entry in ClinVar:

ClinVar aggregate classification (germline): Likely pathogenic (1 of 4 stars; one submission).

Conditions:
Plasma factor XI deficiency.

Submission:

Natera, Inc.
Classification: Likely pathogenic for Plasma factor XI deficiency. Last evaluated: 2024-07-11. Review status: criteria provided, single submitter. Criteria: Natera Variant Classification Schema (03/2026). Collection method: clinical testing. Allele origin: germline.
Comment: The c.781G>T variant in F11 is a nonsense variant predicted to introduce a stop codon at amino acid 261. This variant is expected to result in nonsense mediated decay, truncation, or a dysfunctional protein product. This variant is rare in the general population with a frequency below the threshold expected for the associated phenotype(s). Given the available evidence, this variant is classified as Likely Pathogenic.

NM_000128.4(F11):c.781G>T (p.Glu261Ter)

Gene: F11 (coagulation factor XI; plus strand). Cytogenetic location: 4q35.2.
Variant type: single nucleotide variant.
Coding change: c.781G>T on transcript NM_000128.4 (MANE Select); coding-DNA position 781, G replaced by T.
Protein change: p.Glu261Ter; replaces glutamic acid 261 with a stop codon.
Molecular consequence: nonsense.
Genome position (GRCh38, 1-based): chr4:186,280,037, G>T. VCF-style: chr4-186280037-G-T. GRCh37 (hg19) VCF-style: chr4-187201191-G-T.
Other names: c.781G>T, p.Glu261Ter (NM_001440590.1, NM_001440593.1, NM_001440596.1); c.511G>T, p.Glu171Ter (NM_001440605.1, NM_001440606.1, NM_001440607.1 and 1 more transcripts); short protein forms E171*, E261*.
Identifiers: ClinVar variation 4817502 (VCV004817502.1).